The following is an entry in ClinVar:

ClinVar aggregate classification (germline): Uncertain significance. Review status: criteria provided, multiple submitters, no conflicts (2 of 4 stars). 4 submissions from 4 submitters: Uncertain significance (4). Last evaluated 2025-08-13.

Conditions:
Hereditary cancer-predisposing syndrome. Also called: Neoplastic Syndromes, Hereditary; Hereditary Cancer Syndrome; Tumor predisposition; Hereditary neoplastic syndrome. Identifiers: Orphanet 140162, MedGen C0027672, MeSH D009386, MONDO:0015356.
Familial cancer of breast. Also called: hereditary breast carcinoma; Hereditary breast cancer; BREAST CANCER, FAMILIAL. Identifiers: Orphanet 227535, MedGen C0346153, MONDO:0016419, OMIM 114480. Disease mechanism: loss of function.

Submissions (4):

GeneDx
Classification: Uncertain significance. Last evaluated: 2025-08-13. Review status: criteria provided, single submitter. Criteria: GeneDx Variant Classification Process June 2021. Collection method: clinical testing. Allele origin: germline. Affected: yes.
Comment: Not observed at significant frequency in large population cohorts (gnomAD); In silico analysis suggests that this missense variant does not alter protein structure/function; Has not been previously published as pathogenic or benign to our knowledge; This variant is associated with the following publications: (PMID: 18480049)

Ambry Genetics
Classification: Uncertain significance for Hereditary cancer-predisposing syndrome. Last evaluated: 2024-03-30. Review status: criteria provided, single submitter. Criteria: Ambry Variant Classification Scheme 2023. Collection method: clinical testing. Allele origin: germline.
Comment: The p.R38S variant (also known as c.112C>A), located in coding exon 1 of the BARD1 gene, results from a C to A substitution at nucleotide position 112. The arginine at codon 38 is replaced by serine, an amino acid with dissimilar properties. This amino acid position is conserved. In addition, the in silico prediction for this alteration is inconclusive. Based on the available evidence, the clinical significance of this alteration remains unclear.

Baylor Genetics
Classification: Uncertain significance for Familial cancer of breast. Last evaluated: 2023-09-29. Review status: criteria provided, single submitter. Criteria: ACMG Guidelines, 2015. Collection method: clinical testing. Allele origin: unknown.

Labcorp Genetics (formerly Invitae), Labcorp
Classification: Uncertain significance for Familial cancer of breast. Last evaluated: 2020-05-21. Review status: criteria provided, single submitter. Criteria: Invitae Variant Classification Sherloc (09022015). Collection method: clinical testing. Allele origin: germline.
Comment: In summary, the available evidence is currently insufficient to determine the role of this variant in disease. Therefore, it has been classified as a Variant of Uncertain Significance. Algorithms developed to predict the effect of missense changes on protein structure and function are either unavailable or do not agree on the potential impact of this missense change (SIFT: "Deleterious"; PolyPhen-2: "Probably Damaging"; Align-GVGD: "Class C0"). This variant has not been reported in the literature in individuals with BARD1-related conditions. This variant is not present in population databases (ExAC no frequency). This sequence change replaces arginine with serine at codon 38 of the BARD1 protein (p.Arg38Ser). The arginine residue is highly conserved and there is a moderate physicochemical difference between arginine and serine.

NM_000465.4(BARD1):c.112C>A (p.Arg38Ser)

Gene: BARD1 (BRCA1 associated RING domain 1; minus strand). Cytogenetic location: 2q35.
Variant type: single nucleotide variant.
Coding change: c.112C>A on transcript NM_000465.4 (MANE Select); coding-DNA position 112, C replaced by A.
Protein change: p.Arg38Ser; replaces arginine 38 with serine.
Molecular consequence: missense variant. On other transcripts: non-coding transcript variant (3).
Genome position (GRCh38, 1-based): chr2:214,809,458, G>T on the plus strand (C>A on the coding strand, the complement: BARD1 is on the minus strand). VCF-style: chr2-214809458-G-T. GRCh37 (hg19) VCF-style: chr2-215674182-G-T.
Other names: c.112C>A (NM_000465.2); c.112C>A, p.Arg38Ser (NM_001282543.2, NM_001282545.2, NM_001282548.2 and 1 more transcripts); short protein forms R38S.
Identifiers: ClinVar variation 1039240 (VCV001039240.12), dbSNP rs1553628385, ClinGen allele CA350464974.